The following is an entry in ClinVar:

ClinVar aggregate classification (germline): Benign (0 of 4 stars; one submission).

Conditions:
CMIP-related disorder. Also called: CMIP-related condition.

Allele frequency attached by ClinVar (database versions not stated): ESP Exome Variant Server 0.06884; TOPMed 0.07295; 1000 Genomes Project 30x 0.07589; 1000 Genomes Project 0.07947.

Submissions (24):

PreventionGenetics, part of Exact Sciences
Classification: Benign for CMIP-related condition. Last evaluated: 2019-11-12. Review status: no assertion criteria provided. Collection method: clinical testing. Allele origin: germline.
Comment: This variant is classified as benign based on ACMG/AMP sequence variant interpretation guidelines (Richards et al. 2015 PMID: 25741868, with internal and published modifications).

Dr. Peter K. Rogan Lab, Western University
No classification provided (evidence only). Condition: Acute myeloid leukemia. Review status: no classification provided. Collection method: in vitro. Allele origin: not applicable. Functional consequence: retained intron. Not counted in ClinVar's aggregate classification.

Dr. Peter K. Rogan Lab, Western University
No classification provided (evidence only). Condition: Acute myeloid leukemia. Review status: no classification provided. Collection method: in vitro. Allele origin: not applicable. Functional consequence: retained intron. Not counted in ClinVar's aggregate classification.

Dr. Peter K. Rogan Lab, Western University
No classification provided (evidence only). Condition: Acute myeloid leukemia. Review status: no classification provided. Collection method: in vitro. Allele origin: not applicable. Functional consequence: retained intron. Not counted in ClinVar's aggregate classification.

Dr. Peter K. Rogan Lab, Western University
No classification provided (evidence only). Condition: Acute myeloid leukemia. Review status: no classification provided. Collection method: in vitro. Allele origin: not applicable. Functional consequence: retained intron. Not counted in ClinVar's aggregate classification.

Dr. Peter K. Rogan Lab, Western University
No classification provided (evidence only). Condition: Acute myeloid leukemia. Review status: no classification provided. Collection method: in vitro. Allele origin: not applicable. Functional consequence: retained intron. Not counted in ClinVar's aggregate classification.

Dr. Peter K. Rogan Lab, Western University
No classification provided (evidence only). Condition: Acute myeloid leukemia. Review status: no classification provided. Collection method: in vitro. Allele origin: not applicable. Functional consequence: retained intron. Not counted in ClinVar's aggregate classification.

Dr. Peter K. Rogan Lab, Western University
No classification provided (evidence only). Condition: Acute myeloid leukemia. Review status: no classification provided. Collection method: in vitro. Allele origin: not applicable. Functional consequence: retained intron. Not counted in ClinVar's aggregate classification.

Dr. Peter K. Rogan Lab, Western University
No classification provided (evidence only). Condition: Acute myeloid leukemia. Review status: no classification provided. Collection method: in vitro. Allele origin: not applicable. Functional consequence: retained intron. Not counted in ClinVar's aggregate classification.

Dr. Peter K. Rogan Lab, Western University
No classification provided (evidence only). Condition: Acute myeloid leukemia. Review status: no classification provided. Collection method: in vitro. Allele origin: not applicable. Functional consequence: retained intron. Not counted in ClinVar's aggregate classification.

Dr. Peter K. Rogan Lab, Western University
No classification provided (evidence only). Condition: Acute myeloid leukemia. Review status: no classification provided. Collection method: in vitro. Allele origin: not applicable. Functional consequence: retained intron. Not counted in ClinVar's aggregate classification.

Dr. Peter K. Rogan Lab, Western University
No classification provided (evidence only). Condition: Acute myeloid leukemia. Review status: no classification provided. Collection method: in vitro. Allele origin: not applicable. Functional consequence: retained intron. Not counted in ClinVar's aggregate classification.

Dr. Peter K. Rogan Lab, Western University
No classification provided (evidence only). Condition: Acute myeloid leukemia. Review status: no classification provided. Collection method: in vitro. Allele origin: not applicable. Functional consequence: retained intron. Not counted in ClinVar's aggregate classification.

Dr. Peter K. Rogan Lab, Western University
No classification provided (evidence only). Condition: Malignant lymphoma, large B-cell, diffuse. Review status: no classification provided. Collection method: in vitro. Allele origin: not applicable. Functional consequence: retained intron. Not counted in ClinVar's aggregate classification.

Dr. Peter K. Rogan Lab, Western University
No classification provided (evidence only). Condition: Malignant lymphoma, large B-cell, diffuse. Review status: no classification provided. Collection method: in vitro. Allele origin: not applicable. Functional consequence: retained intron. Not counted in ClinVar's aggregate classification.

Dr. Peter K. Rogan Lab, Western University
No classification provided (evidence only). Condition: Cholangiocarcinoma. Review status: no classification provided. Collection method: in vitro. Allele origin: not applicable. Functional consequence: retained intron. Not counted in ClinVar's aggregate classification.

Dr. Peter K. Rogan Lab, Western University
No classification provided (evidence only). Condition: Ovarian serous cystadenocarcinoma. Review status: no classification provided. Collection method: in vitro. Allele origin: not applicable. Functional consequence: retained intron. Not counted in ClinVar's aggregate classification.

Dr. Peter K. Rogan Lab, Western University
No classification provided (evidence only). Condition: Ovarian serous cystadenocarcinoma. Review status: no classification provided. Collection method: in vitro. Allele origin: not applicable. Functional consequence: retained intron. Not counted in ClinVar's aggregate classification.

Dr. Peter K. Rogan Lab, Western University
No classification provided (evidence only). Condition: Ovarian serous cystadenocarcinoma. Review status: no classification provided. Collection method: in vitro. Allele origin: not applicable. Functional consequence: retained intron. Not counted in ClinVar's aggregate classification.

Dr. Peter K. Rogan Lab, Western University
No classification provided (evidence only). Condition: Ovarian serous cystadenocarcinoma. Review status: no classification provided. Collection method: in vitro. Allele origin: not applicable. Functional consequence: retained intron. Not counted in ClinVar's aggregate classification.

Dr. Peter K. Rogan Lab, Western University
No classification provided (evidence only). Condition: Ovarian serous cystadenocarcinoma. Review status: no classification provided. Collection method: in vitro. Allele origin: not applicable. Functional consequence: retained intron. Not counted in ClinVar's aggregate classification.

Dr. Peter K. Rogan Lab, Western University
No classification provided (evidence only). Condition: Adrenocortical carcinoma, hereditary. Review status: no classification provided. Collection method: in vitro. Allele origin: not applicable. Functional consequence: retained intron. Not counted in ClinVar's aggregate classification.

Dr. Peter K. Rogan Lab, Western University
No classification provided (evidence only). Condition: Uterine carcinosarcoma. Review status: no classification provided. Collection method: in vitro. Allele origin: not applicable. Functional consequence: retained intron. Not counted in ClinVar's aggregate classification.

Dr. Peter K. Rogan Lab, Western University
No classification provided (evidence only). Condition: Lymphoma. Review status: no classification provided. Collection method: in vitro. Allele origin: not applicable. Functional consequence: retained intron. Not counted in ClinVar's aggregate classification.

NM_198390.3(CMIP):c.2091+5G>A

Gene: CMIP (c-Maf inducing protein; plus strand). Cytogenetic location: 16q23.3.
Variant type: single nucleotide variant.
Coding change: c.2091+5G>A on transcript NM_198390.3 (MANE Select); 5 bases into the intron after coding-DNA position 2091, G replaced by A.
Molecular consequence: intron variant.
Genome position (GRCh38, 1-based): chr16:81,704,090, G>A. VCF-style: chr16-81704090-G-A. GRCh37 (hg19) VCF-style: chr16-81737695-G-A.
Other names: NC_000016.9:g.81737695G>A; c.1809+5G>A (NM_030629.3).
Identifiers: ClinVar variation 3055438 (VCV003055438.3), dbSNP rs72831128, ClinGen allele CA8192831.